The following is an entry in ClinVar:

ClinVar aggregate classification (germline): Uncertain significance. Review status: criteria provided, multiple submitters, no conflicts (2 of 4 stars). 4 submissions from 4 submitters: Uncertain significance (4). Last evaluated 2026-05-14.

Conditions:
Hereditary cancer-predisposing syndrome. Also called: Neoplastic Syndromes, Hereditary; Tumor predisposition; Hereditary Cancer Syndrome; Hereditary neoplastic syndrome. Identifiers: Orphanet 140162, MedGen C0027672, MeSH D009386, MONDO:0015356.
Familial cancer of breast. Also called: hereditary breast carcinoma; BREAST CANCER, FAMILIAL; Hereditary breast cancer. Identifiers: Orphanet 227535, MedGen C0346153, MONDO:0016419, OMIM 114480. Disease mechanism: loss of function.

Submissions (4):

Ambry Genetics
Classification: Uncertain significance for Hereditary cancer-predisposing syndrome. Last evaluated: 2026-05-14. Review status: criteria provided, single submitter. Criteria: Ambry Variant Classification Scheme 2023. Collection method: clinical testing. Allele origin: germline.
Comment: The p.P508H variant (also known as c.1523C>A), located in coding exon 4 of the PALB2 gene, results from a C to A substitution at nucleotide position 1523. The proline at codon 508 is replaced by histidine, an amino acid with similar properties. This amino acid position is conserved. In addition, this alteration is predicted to be tolerated by in silico analysis. Based on the available evidence, the clinical significance of this variant remains unclear.

Color Diagnostics, LLC DBA Color Health
Classification: Uncertain significance for Hereditary cancer-predisposing syndrome. Last evaluated: 2025-03-17. Review status: criteria provided, single submitter. Criteria: ACMG Guidelines, 2015. Collection method: clinical testing. Allele origin: germline.
Comment: This missense variant replaces proline with histidine at codon 508 of the PALB2 protein. Computational prediction suggests that this variant may not impact protein structure and function (internally defined REVEL score threshold <= 0.5, PMID: 27666373). To our knowledge, functional studies have not been reported for this variant. This variant has not been reported in individuals affected with PALB2-related disorders in the literature. This variant has not been identified in the general population by the Genome Aggregation Database (gnomAD). The available evidence is insufficient to determine the role of this variant in disease conclusively. Therefore, this variant is classified as a Variant of Uncertain Significance.

Labcorp Genetics (formerly Invitae), Labcorp
Classification: Uncertain significance for Familial cancer of breast. Last evaluated: 2024-05-21. Review status: criteria provided, single submitter. Criteria: Invitae Variant Classification Sherloc (09022015). Collection method: clinical testing. Allele origin: germline.
Comment: This sequence change replaces proline, which is neutral and non-polar, with histidine, which is basic and polar, at codon 508 of the PALB2 protein (p.Pro508His). This variant is not present in population databases (gnomAD no frequency). This variant has not been reported in the literature in individuals affected with PALB2-related conditions. ClinVar contains an entry for this variant (Variation ID: 1380485). Advanced modeling of protein sequence and biophysical properties (such as structural, functional, and spatial information, amino acid conservation, physicochemical variation, residue mobility, and thermodynamic stability) performed at Invitae indicates that this missense variant is not expected to disrupt PALB2 protein function with a negative predictive value of 80%. In summary, the available evidence is currently insufficient to determine the role of this variant in disease. Therefore, it has been classified as a Variant of Uncertain Significance.

Baylor Genetics
Classification: Uncertain significance for Familial cancer of breast. Last evaluated: 2023-07-28. Review status: criteria provided, single submitter. Criteria: ACMG Guidelines, 2015. Collection method: clinical testing. Allele origin: unknown.

NM_024675.4(PALB2):c.1523C>A (p.Pro508His)

Gene: PALB2 (partner and localizer of BRCA2; minus strand). Cytogenetic location: 16p12.2.
Variant type: single nucleotide variant.
Coding change: c.1523C>A on transcript NM_024675.4 (MANE Select); coding-DNA position 1523, C replaced by A.
Protein change: p.Pro508His; replaces proline 508 with histidine.
Molecular consequence: missense variant.
Genome position (GRCh38, 1-based): chr16:23,635,023, G>T on the plus strand (C>A on the coding strand, the complement: PALB2 is on the minus strand). VCF-style: chr16-23635023-G-T. GRCh37 (hg19) VCF-style: chr16-23646344-G-T.
Other names: c.1523C>A (NM_024675.3); short protein forms P508H.
Identifiers: ClinVar variation 1380485 (VCV001380485.10), dbSNP rs2142413565, ClinGen allele CA395130966.
Genomic context (GRCh38, chr16:23,635,023, plus strand): 5'-TCACAATGATCTGATGCTGGGGTGCAGGCTGATTTTCTTTTTCCTGTGTATCTTCTACCA[G>T]GTGCTTGGGCAACTGCCTTCCTAGACAAGTCATTATCTTCAGTGGGCCCAGCGGGAGAGC-3'
Protein context (NP_078951.2, residues 498-518): DLSRKAVAQA[Pro508His]GRRYTGKRKS